The following is an entry in ClinVar:

ClinVar aggregate classification (germline): Uncertain significance. Review status: criteria provided, multiple submitters, no conflicts (2 of 4 stars). 2 submissions from 2 submitters: Uncertain significance (2). Last evaluated 2021-12-21.

Conditions:
Joubert syndrome 23 (JBTS23). Identifiers: Orphanet 475, MedGen C4084822, MONDO:0014664, OMIM 616490.
Short-rib thoracic dysplasia 14 with polydactyly (SRTD14). Identifiers: Orphanet 397715, MedGen C4225286, MONDO:0014688, OMIM 616546.

Submissions (2):

Revvity Omics, Revvity
Classification: Uncertain significance. Last evaluated: 2021-12-21. Review status: criteria provided, single submitter. Criteria: ACMG Guidelines, 2015. Collection method: clinical testing. Allele origin: germline.

Labcorp Genetics (formerly Invitae), Labcorp
Classification: Uncertain significance for Joubert syndrome 23; Short-rib thoracic dysplasia 14 with polydactyly. Last evaluated: 2021-08-14. Review status: criteria provided, single submitter. Criteria: Invitae Variant Classification Sherloc (09022015). Collection method: clinical testing. Allele origin: germline.
Comment: This sequence change replaces leucine with phenylalanine at codon 175 of the KIAA0586 protein (p.Leu175Phe). The leucine residue is weakly conserved and there is a small physicochemical difference between leucine and phenylalanine. The frequency data for this variant in the population databases is considered unreliable, as metrics indicate insufficient coverage at this position in the ExAC database. This variant has not been reported in the literature in individuals affected with KIAA0586-related conditions. Algorithms developed to predict the effect of missense changes on protein structure and function are either unavailable or do not agree on the potential impact of this missense change (SIFT: "Deleterious"; PolyPhen-2: "Benign"; Align-GVGD: "Class C0"). Algorithms developed to predict the effect of sequence changes on RNA splicing suggest that this variant may create or strengthen a splice site. In summary, the available evidence is currently insufficient to determine the role of this variant in disease. Therefore, it has been classified as a Variant of Uncertain Significance.

NM_001329943.3(KIAA0586):c.411-1409C>T

Gene: KIAA0586 (KIAA0586; plus strand). Cytogenetic location: 14q23.1.
Variant type: single nucleotide variant.
Coding change: c.411-1409C>T on transcript NM_001329943.3 (MANE Select); 1409 bases into the intron before coding-DNA position 411, C replaced by T.
Molecular consequence: intron variant. On other transcripts: missense variant (2).
Genome position (GRCh38, 1-based): chr14:58,441,297, C>T. VCF-style: chr14-58441297-C-T. GRCh37 (hg19) VCF-style: chr14-58908015-C-T.
Other names: c.523C>T, p.Leu175Phe (NM_001244189.2); c.232C>T, p.Leu78Phe (NM_001244192.2); c.366-1409C>T (NM_001244190.2); c.156-1409C>T (NM_001244191.2, NM_001364701.2, NM_001329945.2 and 1 more transcripts); c.411-1409C>T (NM_001329944.2, NM_001329946.2, NM_001329947.2 and 1 more transcripts); c.-10-1409C>T (NM_001244193.2); short protein forms L175F, L78F.
Identifiers: ClinVar variation 1368495 (VCV001368495.7), dbSNP rs2140521828, ClinGen allele CA389860330.